The following is an entry in ClinVar:

NM_000551.4(VHL):c.340+691C>G

Genes: VHL (von Hippel-Lindau tumor suppressor; plus strand), LOC107303340 (3p25 von Hippel-Lindau tumor suppressor, E3 ubiquitin protein ligase Alu-mediated recombination region; plus strand). Cytogenetic location: 3p25.3.
Variant type: single nucleotide variant.
Coding change: c.340+691C>G on transcript NM_000551.4 (MANE Select); 691 bases into the intron after coding-DNA position 340, C replaced by G.
Molecular consequence: intron variant. On other transcripts: synonymous variant (1).
Genome position (GRCh38, 1-based): chr3:10,142,878, C>G. VCF-style: chr3-10142878-C-G. GRCh37 (hg19) VCF-style: chr3-10184562-C-G.
Other names: c.456C>G, p.Ala152= (NM_001354723.2); c.340+691C>G (NM_198156.3).
Identifiers: ClinVar variation 854105 (VCV000854105.34), dbSNP rs1041395081, ClinGen allele CA70046744.
Genomic context (GRCh38, chr3:10,142,878, plus strand): 5'-ATTCCTCCTGGGGAGACTGACAGATGCAAAGACAGGAACAAGCCAGGGTCATGTTGGCGC[C>G]GGAAGAGCCGACCGTGTGTGGCGTGGGAAATTGACTTACCTGCCTGCTGGGAGATGGAGG-3'

ClinVar aggregate classification (germline): Likely benign. Review status: criteria provided, multiple submitters, no conflicts (2 of 4 stars). 2 submissions from 2 submitters: Likely benign (2). Last evaluated 2026-01-31.

Conditions:
Von Hippel-Lindau syndrome (VHLS). Also called: Von Hippel-Lindau; VHL syndrome; von Hippel–Lindau syndrome. Identifiers: Orphanet 892, MedGen C0019562, MONDO:0008667, OMIM 193300. Disease mechanism: loss of function.
Chuvash polycythemia. Also called: POLYCYTHEMIA, VHL-DEPENDENT. Identifiers: Orphanet 238557, MedGen C1837915, MONDO:0009892, OMIM 263400.

Allele frequency attached by ClinVar (database versions not stated): gnomAD 0.00007 and 0.00008; TOPMed 0.00009.
gnomAD v4.1: 10 of 152,500 alleles (0.0066%); highest among the groups gnomAD compares: African/African-American, 0.022%; no homozygotes.

Submissions (2):

Labcorp Genetics (formerly Invitae), Labcorp
Classification: Likely benign for Von Hippel-Lindau syndrome; Chuvash polycythemia. Last evaluated: 2026-01-31. Review status: criteria provided, single submitter. Criteria: Invitae Variant Classification Sherloc (09022015). Collection method: clinical testing. Allele origin: germline.

CeGaT Center for Human Genetics Tuebingen
Classification: Likely benign. Last evaluated: 2025-10-01. Review status: criteria provided, single submitter. Criteria: CeGaT Center For Human Genetics Tuebingen Variant Classification Criteria Version 2. Collection method: clinical testing. Allele origin: germline. Affected: yes. Observed: 3 variant alleles.
Comment: VHL: BP4, BP7